The following is an entry in ClinVar:

NM_006846.4(SPINK5):c.2579del (p.Lys860fs)

Gene: SPINK5 (serine peptidase inhibitor Kazal type 5; plus strand). Cytogenetic location: 5q32.
Variant type: Deletion.
Coding change: c.2579del on transcript NM_006846.4 (MANE Select); coding-DNA position 2579, one base deleted (A; older notation c.2579delA).
Protein change: p.Lys860fs; shifts the reading frame from lysine 860.
Molecular consequence: frameshift variant.
Genome position (GRCh38, 1-based): chr5:148,123,873, A deleted; the last of 3 consecutive A bases (chr5:148,123,871-148,123,873); deleting any one gives the same sequence. VCF-style (leftmost placement, unchanged base first): chr5-148123870-GA-G. GRCh37 (hg19) VCF-style: chr5-147503433-GA-G.
Other names: p.Lys860Serfs*64; c.2579del, p.Lys860fs (NM_001127698.2, NM_001127699.2); c.2579delA (NM_006846.3); short protein forms K860fs.
Identifiers: ClinVar variation 664791 (VCV000664791.13), dbSNP rs1362009010, ClinGen allele CA805387314.
Genomic context (GRCh38, chr5:148,123,870, plus strand): 5'-ACTTTTTCTGCTACTGTTGGTAGGATCTGTGTCGTGAATTTCGAAGCATGCAGAGAAATG[GA>G]AAGCTTATCTGCACCAGAGAAAATAACCCTGTTCGAGGCCCATATGGCAAGATGCACATC-3'

ClinVar aggregate classification (germline): Pathogenic. Review status: criteria provided, multiple submitters, no conflicts (2 of 4 stars). 3 submissions from 3 submitters: Pathogenic (3). Last evaluated 2025-06-12.

Conditions:
Ichthyosis linearis circumflexa. Identifiers: MedGen C0265962, MONDO:0043106, HP:0025810.
SPINK5-related disorder. Also called: SPINK5-related condition.

Submissions (3):

Labcorp Genetics (formerly Invitae), Labcorp
Classification: Pathogenic for Ichthyosis linearis circumflexa. Last evaluated: 2025-06-12. Review status: criteria provided, single submitter. Criteria: Invitae Variant Classification Sherloc (09022015). Collection method: clinical testing. Allele origin: germline.
Comment: This sequence change creates a premature translational stop signal (p.Lys860Serfs*64) in the SPINK5 gene. It is expected to result in an absent or disrupted protein product. Loss-of-function variants in SPINK5 are known to be pathogenic (PMID: 11511292, 11841556). This variant is not present in population databases (gnomAD no frequency). This premature translational stop signal has been observed in individual(s) with Netherton syndrome (PMID: 11511292, 16628198). ClinVar contains an entry for this variant (Variation ID: 664791). For these reasons, this variant has been classified as Pathogenic.

Mayo Clinic Laboratories, Mayo Clinic
Classification: Pathogenic. Last evaluated: 2025-04-15. Review status: criteria provided, single submitter. Criteria: ACMG Guidelines, 2015. Collection method: clinical testing. Allele origin: germline. Observed: 1 variant allele.
Comment: PM2_supporting, PM3_supporting, PVS1

PreventionGenetics, part of Exact Sciences
Classification: Pathogenic for SPINK5-related condition. Last evaluated: 2025-03-11. Review status: criteria provided, single submitter. Criteria: ACMG Guidelines, 2015. Collection method: clinical testing. Allele origin: germline.
Comment: The SPINK5 c.2579delA variant is predicted to result in a frameshift and premature protein termination (p.Lys860Serfs*64). This variant has been reported in individual affected with Netherton syndrome (Sprecher et al. 2001. PubMed ID: 11511292; described as c.2577_2578delA in Sun et al. 2022. PubMed ID: 34851365). This variant has not been reported in a large population database (gnomAD), indicating this variant is rare. Frameshift variants in SPINK5 are expected to be pathogenic. This variant is interpreted as pathogenic.

Literature cited by the submitters: PubMed 11511292 (cited by Labcorp Genetics (formerly Invitae), Labcorp and Mayo Clinic Laboratories, Mayo Clinic); PubMed 11841556 (cited by Labcorp Genetics (formerly Invitae), Labcorp); PubMed 16628198 (cited by Labcorp Genetics (formerly Invitae), Labcorp); PubMed 28289593 (cited by Mayo Clinic Laboratories, Mayo Clinic); PubMed 34851365 (cited by Mayo Clinic Laboratories, Mayo Clinic); PubMed 37239440 (cited by Mayo Clinic Laboratories, Mayo Clinic).